The following is an entry in ClinVar:

NM_000489.6(ATRX):c.1640A>G (p.Asp547Gly)

Gene: ATRX (ATRX chromatin remodeler; minus strand). Cytogenetic location: Xq21.1.
Variant type: single nucleotide variant.
Coding change: c.1640A>G on transcript NM_000489.6 (MANE Select); coding-DNA position 1640, A replaced by G.
Protein change: p.Asp547Gly; replaces aspartic acid 547 with glycine.
Molecular consequence: missense variant.
Genome position (GRCh38, 1-based): chrX:77,683,616, T>C on the plus strand (A>G on the coding strand, the complement: ATRX is on the minus strand). VCF-style: chrX-77683616-T-C. GRCh37 (hg19) VCF-style: chrX-76939108-T-C.
Other names: c.1526A>G, p.Asp509Gly (NM_138270.5); short protein forms D547G, D509G.
Identifiers: ClinVar variation 3708098 (VCV003708098.2).
Genomic context (GRCh38, chrX:77,683,616, plus strand): 5'-GAAGAAATATTTAATTTTACAGATGAACTCTCCACTTCTTGTTCAGTTCCACTGCTGCCA[T>C]CCCCTTGATGATCAACTGAACTCTGAACTTCCATAGCAGTCTCAAGATTCTCAAAAATGT-3'
Protein context (NP_000480.3, residues 537-557): EVQSSVDHQG[Asp547Gly]GSSGTEQEVE

ClinVar aggregate classification (germline): Uncertain significance (1 of 4 stars; one submission).

Conditions:
Alpha thalassemia-X-linked intellectual disability syndrome (ATRX). Also called: ALPHA-THALASSEMIA/MENTAL RETARDATION SYNDROME, X-LINKED; ATR, NONDELETION TYPE; ATR-X syndrome; Alpha thalassemia mental retardation syndrome, nondeletion type, X-linked; XLMR hypotonic face syndrome; X-linked alpha-thalassemia-mental retardation syndrome. Identifiers: Orphanet 847, MedGen C1845055, MONDO:0010519, OMIM 301040.

Submission:

Labcorp Genetics (formerly Invitae), Labcorp
Classification: Uncertain significance for Alpha thalassemia-X-linked intellectual disability syndrome. Last evaluated: 2024-04-02. Review status: criteria provided, single submitter. Criteria: Invitae Variant Classification Sherloc (09022015). Collection method: clinical testing. Allele origin: germline.
Comment: This sequence change replaces aspartic acid, which is acidic and polar, with glycine, which is neutral and non-polar, at codon 547 of the ATRX protein (p.Asp547Gly). This variant is not present in population databases (gnomAD no frequency). This variant has not been reported in the literature in individuals affected with ATRX-related conditions. Advanced modeling of protein sequence and biophysical properties (such as structural, functional, and spatial information, amino acid conservation, physicochemical variation, residue mobility, and thermodynamic stability) performed at Invitae indicates that this missense variant is not expected to disrupt ATRX protein function with a negative predictive value of 95%. In summary, the available evidence is currently insufficient to determine the role of this variant in disease. Therefore, it has been classified as a Variant of Uncertain Significance.